The following is an entry in ClinVar:

NM_003640.5(ELP1):c.1704A>G (p.Ser568=)

Gene: ELP1 (elongator acetyltransferase complex subunit 1; minus strand). Cytogenetic location: 9q31.3.
Variant type: single nucleotide variant.
Coding change: c.1704A>G on transcript NM_003640.5 (MANE Select); coding-DNA position 1704, A replaced by G.
Protein change: p.Ser568=; no amino-acid change (serine 568 retained).
Molecular consequence: synonymous variant.
Genome position (GRCh38, 1-based): chr9:108,903,609, T>C on the plus strand (A>G on the coding strand, the complement: ELP1 is on the minus strand). VCF-style: chr9-108903609-T-C. GRCh37 (hg19) VCF-style: chr9-111665889-T-C.
Other names: c.1704A>G (LRG_251t1, NM_003640.4); c.1362A>G, p.Ser454= (NM_001318360.2); c.657A>G, p.Ser219= (NM_001330749.2).
Identifiers: ClinVar variation 497746 (VCV000497746.43), dbSNP rs138192941, ClinGen allele CA5174925.
Genomic context (GRCh38, chr9:108,903,609, plus strand): 5'-ACCTTGATACTCACCCCAAAGGTACTTAAATATCTGGCCATCAGCCAGCTGTAATACTAC[T>C]GACTTGGTCTTGGAATTGCAACATAGACTGATTATGACCCCATCCACCGCTGCAGATGAA-3'
Protein context (NP_003631.2, residues 558-578): ISLCCNSKTK[Ser568=]VVLQLADGQI

ClinVar aggregate classification (germline): Conflicting classifications of pathogenicity. Review status: criteria provided, conflicting classifications (1 of 4 stars). 8 submissions from 8 submitters: Uncertain significance (2); Likely benign (5). 1 of the submissions does not count toward it. Last evaluated 2026-02-04.

Conditions:
ELP1-related disorder. Also called: ELP1-related condition.
Familial dysautonomia. Also called: FD; HSAN III. Identifiers: Orphanet 1764, MedGen C0013364, MONDO:0009131, OMIM 223900. Disease mechanism: loss of function.

Allele frequency attached by ClinVar (database versions not stated): gnomAD exomes 0.00006 and 0.00012; ExAC 0.00007; ESP Exome Variant Server 0.00008; TOPMed 0.00008; gnomAD 0.00011; 1000 Genomes Project 30x 0.00016; 1000 Genomes Project 0.00020.
gnomAD v4.1: 189 of 1,614,022 alleles (0.012%); highest among the groups gnomAD compares: Non-Finnish European, 0.015%; no homozygotes.

Submissions (8):

PreventionGenetics, part of Exact Sciences
Classification: Likely benign for ELP1-related condition. Last evaluated: 2026-02-04. Review status: criteria provided, single submitter. Criteria: ACMG Guidelines, 2015. Collection method: clinical testing. Allele origin: germline.
Comment: This variant is classified as likely benign based on ACMG/AMP sequence variant interpretation guidelines (Richards et al. 2015 PMID: 25741868, with internal and published modifications).

CeGaT Center for Human Genetics Tuebingen
Classification: Likely benign. Last evaluated: 2024-07-01. Review status: criteria provided, single submitter. Criteria: CeGaT Center For Human Genetics Tuebingen Variant Classification Criteria Version 2. Collection method: clinical testing. Allele origin: germline. Affected: yes. Observed: 1 variant allele.
Comment: ELP1: BP4, BP7

Labcorp Genetics (formerly Invitae), Labcorp
Classification: Likely benign. Last evaluated: 2024-02-04. Review status: criteria provided, single submitter. Criteria: Invitae Variant Classification Sherloc (09022015). Collection method: clinical testing. Allele origin: germline.

Ambry Genetics
Classification: Likely benign. Last evaluated: 2022-09-26. Review status: criteria provided, single submitter. Criteria: Ambry Variant Classification Scheme 2023. Collection method: clinical testing. Allele origin: germline.

GeneDx
Classification: Likely benign. Last evaluated: 2018-01-31. Review status: criteria provided, single submitter. Criteria: GeneDx Variant Classification (06012015). Collection method: clinical testing. Allele origin: germline. Affected: yes.
Comment: This variant is considered likely benign or benign based on one or more of the following criteria: it is a conservative change, it occurs at a poorly conserved position in the protein, it is predicted to be benign by multiple in silico algorithms, and/or has population frequency not consistent with disease.

Illumina Laboratory Services, Illumina
Classification: Uncertain significance for Familial dysautonomia. Last evaluated: 2018-01-13. Review status: criteria provided, single submitter. Criteria: ICSL Variant Classification Criteria 13 December 2019. Collection method: clinical testing. Allele origin: germline.

Eurofins Ntd Llc (ga)
Classification: Uncertain significance. Last evaluated: 2016-11-03. Review status: criteria provided, single submitter. Criteria: EGL Classification Definitions 2015. Collection method: clinical testing. Allele origin: germline. Observed: 1 variant allele, 1 heterozygote.

Natera, Inc.
Classification: Likely benign for Familial dysautonomia. Last evaluated: 2018-09-03. Review status: no assertion criteria provided. Collection method: clinical testing. Allele origin: germline. Not counted in ClinVar's aggregate classification.